The following is an entry in ClinVar:

ClinVar aggregate classification (germline): Benign. Review status: criteria provided, multiple submitters, no conflicts (2 of 4 stars). 4 submissions from 3 submitters: Benign (4). Last evaluated 2021-07-14.

Conditions:
Spinal muscular atrophy-progressive myoclonic epilepsy syndrome. Also called: MYOCLONUS, HEREDITARY, WITH PROGRESSIVE DISTAL MUSCULAR ATROPHY; Hereditary myoclonus and progressive distal muscular atrophy; Spinal muscular atrophy with progressive myoclonic epilepsy; Spinal Muscular Atrophy with Progressive Myoclonic Epilepsy (SMA-PME). Identifiers: Orphanet 2590, MedGen C1834569, MONDO:0008045, OMIM 159950.
Farber lipogranulomatosis (FRBRL). Also called: Farber's lipogranulomatosis; AC DEFICIENCY; ACID CERAMIDASE DEFICIENCY; CERAMIDASE DEFICIENCY; N-LAURYLSPHINGOSINE DEACYLASE DEFICIENCY; Farber's disease. Identifiers: Orphanet 333, MedGen C0268255, MONDO:0009218, OMIM 228000.

Allele frequency attached by ClinVar (database versions not stated): 1000 Genomes Project 30x 0.41740; 1000 Genomes Project 0.41793; gnomAD 0.42357 and 0.42816; TOPMed 0.43365; gnomAD exomes 0.47872.
gnomAD v4.1: 385,137 of 821,016 alleles (47%); highest among the groups gnomAD compares: Admixed American, 60%; 94,434 homozygotes.

Submissions (4):

Genome-Nilou Lab
Classification: Benign for Farber lipogranulomatosis. Last evaluated: 2021-07-14. Review status: criteria provided, single submitter. Criteria: ACMG Guidelines, 2015. Collection method: clinical testing. Allele origin: germline. Affected: no.

Genome-Nilou Lab
Classification: Benign for Spinal muscular atrophy-progressive myoclonic epilepsy syndrome. Last evaluated: 2021-07-14. Review status: criteria provided, single submitter. Criteria: ACMG Guidelines, 2015. Collection method: clinical testing. Allele origin: germline. Affected: no.

GeneDx
Classification: Benign. Last evaluated: 2018-06-19. Review status: criteria provided, single submitter. Criteria: GeneDx Variant Classification (06012015). Collection method: clinical testing. Allele origin: germline. Affected: yes.
Comment: This variant is considered likely benign or benign based on one or more of the following criteria: it is a conservative change, it occurs at a poorly conserved position in the protein, it is predicted to be benign by multiple in silico algorithms, and/or has population frequency not consistent with disease.

Breakthrough Genomics
Classification: Benign. Review status: criteria provided, single submitter. Criteria: ACMG Guidelines, 2015. Collection method: not provided. Allele origin: germline. Inheritance: Autosomal recessive inheritance. Affected: yes.

NM_177924.5(ASAH1):c.126-100C>T

Gene: ASAH1 (N-acylsphingosine amidohydrolase 1; minus strand). Cytogenetic location: 8p22.
Variant type: single nucleotide variant.
Coding change: c.126-100C>T on transcript NM_177924.5 (MANE Select); 100 bases into the intron before coding-DNA position 126, C replaced by T.
Molecular consequence: intron variant.
Genome position (GRCh38, 1-based): chr8:18,071,490, G>A on the plus strand (C>T on the coding strand, the complement: ASAH1 is on the minus strand). VCF-style: chr8-18071490-G-A. GRCh37 (hg19) VCF-style: chr8-17928999-G-A.
Other names: c.174-100C>T (NM_004315.6); c.195-100C>T (NM_001127505.3); c.-70-100C>T (NM_001363743.2).
Identifiers: ClinVar variation 678025 (VCV000678025.5), dbSNP rs12549594, ClinGen allele CA15562641.